The following is an entry in ClinVar:

NM_017757.3(ZNF407):c.4795G>A (p.Val1599Ile)

Gene: ZNF407 (zinc finger protein 407; plus strand). Cytogenetic location: 18q22.3.
Variant type: single nucleotide variant.
Coding change: c.4795G>A on transcript NM_017757.3 (MANE Select); coding-DNA position 4795, G replaced by A.
Protein change: p.Val1599Ile; replaces valine 1599 with isoleucine.
Molecular consequence: missense variant.
Genome position (GRCh38, 1-based): chr18:74,641,115, G>A. VCF-style: chr18-74641115-G-A. GRCh37 (hg19) VCF-style: chr18-72353071-G-A.
Other names: c.4795G>A, p.Val1599Ile (NM_001146189.1, NM_001146190.1, NM_001384475.1); short protein forms V1599I.
Identifiers: ClinVar variation 1337656 (VCV001337656.4), dbSNP rs2144688984, ClinGen allele CA402774982.

ClinVar aggregate classification (germline): Uncertain significance (1 of 4 stars; one submission).

Allele frequency attached by ClinVar (database versions not stated): gnomAD exomes below 0.00001.
gnomAD v4.1: 3 of 1,611,952 alleles (0.00019%); highest among the groups gnomAD compares: Middle Eastern, 0.017%; no homozygotes.

Submission:

Genetic Services Laboratory, University of Chicago
Classification: Uncertain significance. Last evaluated: 2020-05-27. Review status: criteria provided, single submitter. Criteria: ACMG Guidelines, 2015. Collection method: clinical testing. Allele origin: germline. Affected: no.
Comment: DNA sequence analysis of the ZNF407 gene demonstrated a sequence change, c.4795G>A, in exon 2 that results in an amino acid change, p.Val1599Ile. This sequence change does not appear to have been previously described in patients with ZNF407-related disorders and has also not been described in the large population databases (such as ExAC and gnomAD). The p.Val1599Ile change affects a moderately conserved amino acid residue located in a domain of the ZNF407 protein that is known to be functional. The p.Val1599Ile substitution appears to be benign using several in-silico pathogenicity prediction tools (SIFT, PolyPhen2, Align GVGD, REVEL). Due to these contrasting evidences and the lack of functional studies, the clinical significance of the p.Val1599Ile change remains unknown at this time.